The following is an entry in ClinVar:

ClinVar aggregate classification (germline): Uncertain significance (1 of 4 stars; one submission).

Conditions:
Hepatoencephalopathy due to combined oxidative phosphorylation defect type 1. Also called: HEPATOENCEPHALOPATHY, EARLY FATAL PROGRESSIVE. Identifiers: Orphanet 137681, MedGen C1836797, MONDO:0012191, OMIM 609060.
Combined oxidative phosphorylation deficiency 39. Identifiers: Orphanet 565624, MedGen C5193075, MONDO:0032726, OMIM 618397.

Allele frequency attached by ClinVar (database versions not stated): gnomAD exomes below 0.00001 and 0.00001; TOPMed below 0.00001; gnomAD 0.00001.
gnomAD v4.1: 14 of 1,613,264 alleles (0.00087%); highest among the groups gnomAD compares: Non-Finnish European, 0.0011%; no homozygotes.

Submission:

GeneDx
Classification: Uncertain significance. Last evaluated: 2014-07-24. Review status: criteria provided, single submitter. Criteria: GeneDx Variant Classification (06012015). Collection method: clinical testing. Allele origin: germline. Affected: yes.
Comment: p.Ile410Lys (ATA>AAA): c.1229 T>A in exon 14 of the GFM2 gene (NM_032380.3). The I410K variant hasn't been published as a mutation or reported as a benign polymorphism to our knowledge. The I410K variant is a non-conservative amino acid substitution, which is likely to impact secondary protein structure as these residues differ in polarity, charge, size and/or other properties. The I410K substitution occurs at a position where amino acids with similar properties as Isoleucine are conserved across species. In silico analysis predicts that the I410K variant is probably damaging to the protein structure/function. Therefore, based on the currently available information, it is unclear whether I410K is a pathogenic mutation or a rare benign variant. The variant is found in LSME-MITOP panel(s).

NM_032380.5(GFM2):c.1229T>A (p.Ile410Lys)

Gene: GFM2 (GTP dependent ribosome recycling factor mitochondrial 2; minus strand). Cytogenetic location: 5q13.3.
Variant type: single nucleotide variant.
Coding change: c.1229T>A on transcript NM_032380.5 (MANE Select); coding-DNA position 1229, T replaced by A.
Protein change: p.Ile410Lys; replaces isoleucine 410 with lysine.
Molecular consequence: missense variant. On other transcripts: non-coding transcript variant (1).
Genome position (GRCh38, 1-based): chr5:74,738,409, A>T on the plus strand (T>A on the coding strand, the complement: GFM2 is on the minus strand). VCF-style: chr5-74738409-A-T. GRCh37 (hg19) VCF-style: chr5-74034234-A-T.
Other names: p.I410K:ATA>AAA; c.1325T>A, p.Ile442Lys (NM_001281302.2); c.1229T>A, p.Ile410Lys (NM_170681.3); c.1088T>A, p.Ile363Lys (NM_170691.3); short protein forms I410K, I442K, I363K.
Identifiers: ClinVar variation 214513 (VCV000214513.6), dbSNP rs863224037, ClinGen allele CA324680.